The following is an entry in ClinVar:

NM_020944.3(GBA2):c.2777C>T (p.Pro926Leu)

Gene: GBA2 (glucosylceramidase beta 2; minus strand). Cytogenetic location: 9p13.3.
Variant type: single nucleotide variant.
Coding change: c.2777C>T on transcript NM_020944.3 (MANE Select); coding-DNA position 2777, C replaced by T.
Protein change: p.Pro926Leu; replaces proline 926 with leucine.
Molecular consequence: missense variant. On other transcripts: 3 prime UTR variant (1).
Genome position (GRCh38, 1-based): chr9:35,737,176, G>A on the plus strand (C>T on the coding strand, the complement: GBA2 is on the minus strand). VCF-style: chr9-35737176-G-A. GRCh37 (hg19) VCF-style: chr9-35737173-G-A.
Other names: c.*300C>T (NM_001330660.2); c.2777C>T (NM_020944.2); short protein forms P926L.
Identifiers: ClinVar variation 1905642 (VCV001905642.6), dbSNP rs2490818090, ClinGen allele CA373400458.

ClinVar aggregate classification (germline): Uncertain significance. Review status: criteria provided, multiple submitters, no conflicts (2 of 4 stars). 2 submissions from 2 submitters: Uncertain significance (2). Last evaluated 2024-12-20.

Conditions:
Inborn genetic diseases. Identifiers: MedGen C0950123, MeSH D030342.
Spastic paraplegia. Identifiers: MedGen C0037772, HP:0001258.

Submissions (2):

Ambry Genetics
Classification: Uncertain significance for Inborn genetic diseases. Last evaluated: 2024-12-20. Review status: criteria provided, single submitter. Criteria: Ambry Variant Classification Scheme 2023. Collection method: clinical testing. Allele origin: germline.

Labcorp Genetics (formerly Invitae), Labcorp
Classification: Uncertain significance for Spastic paraplegia. Last evaluated: 2022-02-21. Review status: criteria provided, single submitter. Criteria: Invitae Variant Classification Sherloc (09022015). Collection method: clinical testing. Allele origin: germline.
Comment: In summary, the available evidence is currently insufficient to determine the role of this variant in disease. Therefore, it has been classified as a Variant of Uncertain Significance. Algorithms developed to predict the effect of missense changes on protein structure and function output the following: SIFT: "Tolerated"; PolyPhen-2: "Benign"; Align-GVGD: "Class C0". The leucine amino acid residue is found in multiple mammalian species, which suggests that this missense change does not adversely affect protein function. This variant has not been reported in the literature in individuals affected with GBA2-related conditions. This variant is not present in population databases (gnomAD no frequency). This sequence change replaces proline, which is neutral and non-polar, with leucine, which is neutral and non-polar, at codon 926 of the GBA2 protein (p.Pro926Leu).